The following is an entry in ClinVar:

ClinVar aggregate classification (germline): Uncertain significance (1 of 4 stars; one submission).

Conditions:
RFT1-related disorder. Also called: RFT1-related condition.

Submission:

PreventionGenetics, part of Exact Sciences
Classification: Uncertain significance for RFT1-related condition. Last evaluated: 2026-08-04. Review status: criteria provided, single submitter. Criteria: ACMG Guidelines, 2015. Collection method: clinical testing. Allele origin: germline.
Comment: The RFT1 c.1102G>T variant is predicted to result in the amino acid substitution p.Gly368Cys. This variant is also the last nucleotide of the exon and is predicted to disrupt the canonical splice donor site (Alamut Visual Plus v1.6.1; SpliceAI, Jaganathan et al. 2019. PubMed ID: 30661751). However, the use of computer prediction programs is not equivalent to functional evidence. To our knowledge, this variant has not been reported in the literature or in a large population database (gnomAD), indicating this variant is rare. At this time, the clinical significance of this variant is uncertain due to the absence of conclusive functional and genetic evidence.

NM_052859.4(RFT1):c.1102G>T (p.Gly368Cys)

Gene: RFT1 (RFT1 glycolipid translocator homolog; minus strand). Cytogenetic location: 3p21.1.
Variant type: single nucleotide variant.
Coding change: c.1102G>T on transcript NM_052859.4 (MANE Select); coding-DNA position 1102, G replaced by T.
Protein change: p.Gly368Cys; replaces glycine 368 with cysteine.
Molecular consequence: missense variant.
Genome position (GRCh38, 1-based): chr3:53,103,953, C>A on the plus strand (G>T on the coding strand, the complement: RFT1 is on the minus strand). VCF-style: chr3-53103953-C-A. GRCh37 (hg19) VCF-style: chr3-53137969-C-A.
Other names: short protein forms G368C.
Identifiers: ClinVar variation 4999373 (VCV004999373.1).